The following is an entry in ClinVar:

ClinVar aggregate classification (germline): Uncertain significance (1 of 4 stars; one submission).

Conditions:
Cardiovascular phenotype. Identifiers: MedGen CN230736.

gnomAD v4.1: 1 of 1,614,076 alleles (0.000062%); highest among the groups gnomAD compares: Non-Finnish European, 0.000085%; no homozygotes.

Submission:

Ambry Genetics
Classification: Uncertain significance for Cardiovascular phenotype. Last evaluated: 2022-05-30. Review status: criteria provided, single submitter. Criteria: Ambry Variant Classification Scheme 2023. Collection method: clinical testing. Allele origin: germline.
Comment: The p.G2676V variant (also known as c.8027G>T), located in coding exon 38 of the ANK2 gene, results from a G to T substitution at nucleotide position 8027. The glycine at codon 2676 is replaced by valine, an amino acid with dissimilar properties. This amino acid position is conserved. In addition, this alteration is predicted to be tolerated by in silico analysis. Since supporting evidence is limited at this time, the clinical significance of this alteration remains unclear.

NM_001148.6(ANK2):c.8027G>T (p.Gly2676Val)

Gene: ANK2 (ankyrin 2; plus strand). Cytogenetic location: 4q26.
Variant type: single nucleotide variant.
Coding change: c.8027G>T on transcript NM_001148.6 (MANE Select); coding-DNA position 8027, G replaced by T.
Protein change: p.Gly2676Val; replaces glycine 2676 with valine.
Molecular consequence: missense variant. On other transcripts: intron variant (68).
Genome position (GRCh38, 1-based): chr4:113,356,645, G>T. VCF-style: chr4-113356645-G-T. GRCh37 (hg19) VCF-style: chr4-114277801-G-T.
Other names: c.7793G>T, p.Gly2598Val (NM_001386142.1); c.4427G>T, p.Gly1476Val (NM_001386166.1); c.8168G>T, p.Gly2723Val (NM_001386174.1); c.8144G>T, p.Gly2715Val (NM_001386175.1); c.4412-4178G>T (NM_001386186.2, NM_001386148.2); c.4214-4178G>T (NM_001354269.3); c.4292-4178G>T (NM_001386187.2); c.4253-4178G>T (NM_001386147.1); and 35 more; short protein forms G1476V, G2723V, G2676V, G2715V, G2598V.
Identifiers: ClinVar variation 1761716 (VCV001761716.2), dbSNP rs752323136, ClinGen allele CA357932888.